The following is an entry in ClinVar:

ClinVar aggregate classification (germline): Uncertain significance. Review status: criteria provided, multiple submitters, no conflicts (2 of 4 stars). 2 submissions from 2 submitters: Uncertain significance (2). Last evaluated 2025-03-04.

Allele frequency attached by ClinVar (database versions not stated): gnomAD exomes below 0.00001; TOPMed below 0.00001.
gnomAD v4.1: 5 of 1,614,180 alleles (0.00031%); highest among the groups gnomAD compares: Middle Eastern, 0.016%; no homozygotes.

Submissions (2):

Labcorp Genetics (formerly Invitae), Labcorp
Classification: Uncertain significance. Last evaluated: 2025-03-04. Review status: criteria provided, single submitter. Criteria: Invitae Variant Classification Sherloc (09022015). Collection method: clinical testing. Allele origin: germline.
Comment: This sequence change replaces isoleucine, which is neutral and non-polar, with threonine, which is neutral and polar, at codon 507 of the GALNT12 protein (p.Ile507Thr). This variant is not present in population databases (gnomAD no frequency). This variant has not been reported in the literature in individuals affected with GALNT12-related conditions. ClinVar contains an entry for this variant (Variation ID: 819425). Invitae Evidence Modeling of protein sequence and biophysical properties (such as structural, functional, and spatial information, amino acid conservation, physicochemical variation, residue mobility, and thermodynamic stability) indicates that this missense variant is not expected to disrupt GALNT12 protein function with a negative predictive value of 80%. In summary, the available evidence is currently insufficient to determine the role of this variant in disease. Therefore, it has been classified as a Variant of Uncertain Significance.

Ambry Genetics
Classification: Uncertain significance. Last evaluated: 2024-12-30. Review status: criteria provided, single submitter. Criteria: Ambry Variant Classification Scheme 2023. Collection method: clinical testing. Allele origin: germline.
Comment: The p.I507T variant (also known as c.1520T>C), located in coding exon 9 of the GALNT12 gene, results from a T to C substitution at nucleotide position 1520. The isoleucine at codon 507 is replaced by threonine, an amino acid with similar properties. This amino acid position is poorly conserved in available vertebrate species. In addition, this alteration is predicted to be tolerated by in silico analysis. Since supporting evidence is limited at this time, the clinical significance of this alteration remains unclear.

NM_024642.5(GALNT12):c.1520T>C (p.Ile507Thr)

Gene: GALNT12 (polypeptide N-acetylgalactosaminyltransferase 12; plus strand). Cytogenetic location: 9q22.33.
Variant type: single nucleotide variant.
Coding change: c.1520T>C on transcript NM_024642.5 (MANE Select); coding-DNA position 1520, T replaced by C.
Protein change: p.Ile507Thr; replaces isoleucine 507 with threonine.
Molecular consequence: missense variant.
Genome position (GRCh38, 1-based): chr9:98,846,038, T>C. VCF-style: chr9-98846038-T-C. GRCh37 (hg19) VCF-style: chr9-101608320-T-C.
Other names: short protein forms I507T.
Identifiers: ClinVar variation 819425 (VCV000819425.10), dbSNP rs1588459566, ClinGen allele CA374221723.
Genomic context (GRCh38, chr9:98,846,038, plus strand): 5'-TTTTCGAGTACACGTCCCAGAAAGAAATACGCTATAACACCCACCAGCCTGAGGGCTGCA[T>C]TGCTGTGGAAGCAGGAATGGATACCCTTATCATGCATCTCTGCGAAGAAACTGCCCCAGA-3'
Protein context (NP_078918.3, residues 497-517): RYNTHQPEGC[Ile507Thr]AVEAGMDTLI